The following is an entry in ClinVar:

NM_000262.3(NAGA):c.16G>A (p.Val6Met)

Gene: NAGA (alpha-N-acetylgalactosaminidase; minus strand). Cytogenetic location: 22q13.2.
Variant type: single nucleotide variant.
Coding change: c.16G>A on transcript NM_000262.3 (MANE Select); coding-DNA position 16, G replaced by A.
Protein change: p.Val6Met; replaces valine 6 with methionine.
Molecular consequence: missense variant.
Genome position (GRCh38, 1-based): chr22:42,070,282, C>T on the plus strand (G>A on the coding strand, the complement: NAGA is on the minus strand). VCF-style: chr22-42070282-C-T. GRCh37 (hg19) VCF-style: chr22-42466286-C-T.
Other names: c.16G>A, p.Val6Met (NM_001362848.1, NM_001362850.1); short protein forms V6M.
Identifiers: ClinVar variation 643747 (VCV000643747.6), dbSNP rs1602499597, ClinGen allele CA411769712.

ClinVar aggregate classification (germline): Uncertain significance (1 of 4 stars; one submission).

Conditions:
Alpha-N-acetylgalactosaminidase deficiency type 1. Also called: SCHINDLER DISEASE, TYPE I; ALPHA-N-ACETYLGALACTOSAMINIDASE DEFICIENCY, TYPE I; NAGA DEFICIENCY, TYPE I; NEUROAXONAL DYSTROPHY, SCHINDLER TYPE. Identifiers: Orphanet 3137, Orphanet 79279, Orphanet 79281, MedGen C1836544, MONDO:0012221, OMIM 609241.

Allele frequency attached by ClinVar (database versions not stated): gnomAD exomes below 0.00001.
gnomAD v4.1: 2 of 1,614,266 alleles (0.00012%); highest among the groups gnomAD compares: Middle Eastern, 0.016%; no homozygotes.

Submission:

Labcorp Genetics (formerly Invitae), Labcorp
Classification: Uncertain significance for Alpha-N-acetylgalactosaminidase deficiency type 1. Last evaluated: 2021-08-31. Review status: criteria provided, single submitter. Criteria: Invitae Variant Classification Sherloc (09022015). Collection method: clinical testing. Allele origin: germline.
Comment: This sequence change replaces valine with methionine at codon 6 of the NAGA protein (p.Val6Met). The valine residue is weakly conserved and there is a small physicochemical difference between valine and methionine. This variant also falls at the last nucleotide of exon 1, which is part of the consensus splice site for this exon. This variant is not present in population databases (ExAC no frequency). This variant has not been reported in the literature in individuals affected with NAGA-related conditions. Algorithms developed to predict the effect of missense changes on protein structure and function are either unavailable or do not agree on the potential impact of this missense change (SIFT: "Deleterious"; PolyPhen-2: "Benign"; Align-GVGD: "Class C0"). Variants that disrupt the consensus splice site are a relatively common cause of aberrant splicing (PMID: 17576681, 9536098). Algorithms developed to predict the effect of sequence changes on RNA splicing suggest that this variant may disrupt the consensus splice site. In summary, the available evidence is currently insufficient to determine the role of this variant in disease. Therefore, it has been classified as a Variant of Uncertain Significance.

Literature cited by the submitters: PubMed 17576681; PubMed 9536098.